The following is an entry in ClinVar:

ClinVar aggregate classification (germline): Likely benign (0 of 4 stars; one submission).

Conditions:
AKT3-related disorder. Also called: AKT3-related condition.

Submission:

PreventionGenetics, part of Exact Sciences
Classification: Likely benign for AKT3-related condition. Last evaluated: 2021-08-18. Review status: no assertion criteria provided. Collection method: clinical testing. Allele origin: germline.
Comment: This variant is classified as likely benign based on ACMG/AMP sequence variant interpretation guidelines (Richards et al. 2015 PMID: 25741868, with internal and published modifications).

NM_005465.7(AKT3):c.1344A>C (p.Pro448=)

Gene: AKT3 (AKT serine/threonine kinase 3; minus strand). Cytogenetic location: 1q44.
Variant type: single nucleotide variant.
Coding change: c.1344A>C on transcript NM_005465.7 (MANE Select); coding-DNA position 1344, A replaced by C.
Protein change: p.Pro448=; no amino-acid change (proline 448 retained).
Molecular consequence: synonymous variant.
Genome position (GRCh38, 1-based): chr1:243,512,334, T>G on the plus strand (A>C on the coding strand, the complement: AKT3 is on the minus strand). VCF-style: chr1-243512334-T-G. GRCh37 (hg19) VCF-style: chr1-243675636-T-G.
Other names: c.1344A>C, p.Pro448= (NM_001206729.2, NM_001370074.1, NM_181690.2).
Identifiers: ClinVar variation 3029205 (VCV003029205.2), dbSNP rs2529190719, ClinGen allele CA424351790.